The following is an entry in ClinVar:

NM_030632.3(ASXL3):c.3011G>T (p.Arg1004Ile)

Gene: ASXL3 (ASXL transcriptional regulator 3; plus strand). Cytogenetic location: 18q12.1.
Variant type: single nucleotide variant.
Coding change: c.3011G>T on transcript NM_030632.3 (MANE Select); coding-DNA position 3011, G replaced by T.
Protein change: p.Arg1004Ile; replaces arginine 1004 with isoleucine.
Molecular consequence: missense variant.
Genome position (GRCh38, 1-based): chr18:33,740,415, G>T. VCF-style: chr18-33740415-G-T. GRCh37 (hg19) VCF-style: chr18-31320379-G-T.
Other names: short protein forms R1004I.
Identifiers: ClinVar variation 2430645 (VCV002430645.1), dbSNP rs768589891, ClinGen allele CA8933998.

ClinVar aggregate classification (germline): Uncertain significance (1 of 4 stars; one submission).

Allele frequency attached by ClinVar (database versions not stated): ExAC 0.00001; TOPMed 0.00002.

Submission:

GeneDx
Classification: Uncertain significance. Last evaluated: 2023-02-22. Review status: criteria provided, single submitter. Criteria: GeneDx Variant Classification Process June 2021. Collection method: clinical testing. Allele origin: germline. Affected: yes.
Comment: In silico analysis supports that this missense variant has a deleterious effect on protein structure/function; Has not been previously published as pathogenic or benign to our knowledge